The following is an entry in ClinVar:

ClinVar aggregate classification (germline): Likely pathogenic. Review status: criteria provided, multiple submitters, no conflicts (2 of 4 stars). 3 submissions from 3 submitters: Likely pathogenic (3). Last evaluated 2023-02-23.

Conditions:
Duchenne muscular dystrophy (DMD). Also called: MUSCULAR DYSTROPHY, PSEUDOHYPERTROPHIC PROGRESSIVE, DUCHENNE TYPE; Duchenne Muscular Dystrophy (DMD). Identifiers: Orphanet 98896, MedGen C0013264, MONDO:0010679, OMIM 310200.
DMD-related disorder. Also called: DMD-related condition.

Submissions (3):

3billion
Classification: Likely pathogenic for Duchenne muscular dystrophy. Last evaluated: 2023-02-23. Review status: criteria provided, single submitter. Criteria: ACMG Guidelines, 2015. Collection method: clinical testing. Allele origin: unknown. Affected: yes.
Comment: The variant is not observed in the gnomAD v2.1.1 dataset. This variant was predicted to result in a loss or disruption of normal protein function through nonsense-mediated decay (NMD) or protein truncation. Multiple pathogenic variants are reported downstream of the variant. Therefore, this variant is classified as Likely pathogenic according to the recommendation of ACMG/AMP guideline.

Laboratory of Medical Genetics, National & Kapodistrian University of Athens
Classification: Likely pathogenic for Duchenne muscular dystrophy. Last evaluated: 2022-12-16. Review status: criteria provided, single submitter. Criteria: ACMG Guidelines, 2015. Collection method: clinical testing. Allele origin: germline. Affected: yes.
Comment: PVS1,PM2

Blueprint Genetics
Classification: Likely pathogenic for DMD-related disorders. Last evaluated: 2019-06-13. Review status: criteria provided, single submitter. Criteria: ACMG Guidelines, 2015. Collection method: clinical testing. Allele origin: germline. Affected: yes. Observed: 1 variant allele.

NM_004006.3(DMD):c.1399dup (p.Thr467fs)

Gene: DMD (dystrophin; minus strand). Cytogenetic location: Xp21.1.
Variant type: Duplication.
Coding change: c.1399dup on transcript NM_004006.3 (MANE Select); coding-DNA position 1399, one base duplicated (A; older notation c.1399dupA).
Protein change: p.Thr467fs; shifts the reading frame from threonine 467.
Molecular consequence: frameshift variant.
Genome position (GRCh38, 1-based): chrX:32,614,386, T duplicated on the plus strand (A on the coding strand, the reverse complement: DMD is on the minus strand); the first of 5 consecutive T bases (chrX:32,614,386-32,614,390); duplicating any one gives the same sequence. VCF-style (leftmost placement, unchanged base first): chrX-32614385-G-GT. GRCh37 (hg19) VCF-style: chrX-32632502-G-GT.
Other names: c.1375dup, p.Thr459fs (NM_000109.4); c.1387dup, p.Thr463fs (NM_004009.3); c.1030dup, p.Thr344fs (NM_004010.3); short protein forms T344fs, T459fs, T463fs, T467fs.
Identifiers: ClinVar variation 1806405 (VCV001806405.3), dbSNP rs2519182359, ClinGen allele CA2580100729.